The following is an entry in ClinVar:

ClinVar aggregate classification (germline): Uncertain significance. Review status: criteria provided, multiple submitters, no conflicts (2 of 4 stars). 3 submissions from 3 submitters: Uncertain significance (2). 1 of the submissions does not count toward it. Last evaluated 2024-03-29.

Conditions:
Imerslund-Grasbeck syndrome. Also called: Imerslund-Gräsbeck syndrome; Megaloblastic anemia due to inborn errors of metabolism; ENTEROCYTE COBALAMIN MALABSORPTION; ENTEROCYTE INTRINSIC FACTOR RECEPTOR, DEFECT OF; PERNICIOUS ANEMIA, JUVENILE, DUE TO SELECTIVE INTESTINAL MALABSORPTION OF VITAMIN B12, WITH PROTEINURIA. Identifiers: Orphanet 35858, MedGen C4551825, MONDO:0009853.
Imerslund-Grasbeck syndrome type 1 (IGS1). Also called: Megaloblastic anemia 1, Finnish type; MEGALOBLASTIC ANEMIA, 1; Imerslund-Gräsbeck syndrome 1. Identifiers: MedGen C4016819, MONDO:0100156, OMIM 261100.
Proteinuria, chronic benign. Identifiers: MedGen C5394384, MONDO:0030042, OMIM 618884.

Allele frequency attached by ClinVar (database versions not stated): gnomAD 0.00023 and 0.00026; TOPMed 0.00034; ESP Exome Variant Server 0.00046; ExAC 0.00007.
gnomAD v4.1: 197 of 1,613,572 alleles (0.012%); highest among the groups gnomAD compares: African/African-American, 0.059%; no homozygotes.

Submissions (3):

Fulgent Genetics
Classification: Uncertain significance for Imerslund-Grasbeck syndrome type 1; Proteinuria, chronic benign. Last evaluated: 2024-03-29. Review status: criteria provided, single submitter. Criteria: ACMG Guidelines, 2015. Collection method: clinical testing. Allele origin: germline.

GeneDx
Classification: Uncertain significance. Last evaluated: 2019-04-22. Review status: criteria provided, single submitter. Criteria: GeneDx Variant Classification Process June 2021. Collection method: clinical testing. Allele origin: germline. Affected: yes.
Comment: In silico analysis, which includes protein predictors and evolutionary conservation, supports a deleterious effect; Has not been previously published as pathogenic or benign to our knowledge; This variant is associated with the following publications: (PMID: 31130284)

Biochemical Molecular Genetic Laboratory, King Abdulaziz Medical City
Classification: Uncertain significance for Imerslund-Grasbeck syndrome type 1. Last evaluated: 2019-01-29. Review status: no assertion criteria provided. Collection method: clinical testing. Allele origin: germline. Affected: yes. Not counted in ClinVar's aggregate classification.

NM_001081.4(CUBN):c.6560C>T (p.Ser2187Leu)

Gene: CUBN (cubilin; minus strand). Cytogenetic location: 10p13.
Variant type: single nucleotide variant.
Coding change: c.6560C>T on transcript NM_001081.4 (MANE Select); coding-DNA position 6560, C replaced by T.
Protein change: p.Ser2187Leu; replaces serine 2187 with leucine.
Molecular consequence: missense variant.
Genome position (GRCh38, 1-based): chr10:16,925,327, G>A on the plus strand (C>T on the coding strand, the complement: CUBN is on the minus strand). VCF-style: chr10-16925327-G-A. GRCh37 (hg19) VCF-style: chr10-16967326-G-A.
Other names: short protein forms S2187L.
Identifiers: ClinVar variation 800746 (VCV000800746.5), dbSNP rs143899993, ClinGen allele CA5423642.
Genomic context (GRCh38, chr10:16,925,327, plus strand): 5'-TTAAATCCTTGCCCTTCATTACTGTGATCAGAAATAAACTGAACAAACATTTGATTATCC[G>A]AGGTGAACAGAGTTGATGAAGCATGACTGCCACAAAAATGACCATTTCCTCCAGGGGGTC-3'
Protein context (NP_001072.2, residues 2177-2197): GSHASSTLFT[Ser2187Leu]DNQMFVQFIS